The following is an entry in ClinVar:

NM_139276.3(STAT3):c.*1931A>G

Gene: STAT3 (signal transducer and activator of transcription 3; minus strand). Cytogenetic location: 17q21.2.
Variant type: single nucleotide variant.
Coding change: c.*1931A>G on transcript NM_139276.3 (MANE Select); 1931 bases downstream of the stop codon, A replaced by G.
Molecular consequence: 3 prime UTR variant.
Genome position (GRCh38, 1-based): chr17:42,313,814, T>C on the plus strand (A>G on the coding strand, the complement: STAT3 is on the minus strand). VCF-style: chr17-42313814-T-C. GRCh37 (hg19) VCF-style: chr17-40465832-T-C.
Other names: c.*1931A>G (NM_001369512.1, NM_001369513.1, NM_001369514.1 and 10 more transcripts); c.*2025A>G (NM_001369517.1, NM_001369518.1, NM_001369519.1 and 4 more transcripts).
Identifiers: ClinVar variation 323212 (VCV000323212.5), dbSNP rs138326799, ClinGen allele CA10650127.

ClinVar aggregate classification (germline): Benign (1 of 4 stars; one submission).

Conditions:
Hyper-IgE recurrent infection syndrome 1, autosomal dominant. Also called: HYPER-IgE SYNDROME 1, AUTOSOMAL DOMINANT, WITH RECURRENT INFECTIONS; JOB SYNDROME; Job's Syndrome; STAT3 Hyper IgE Syndrome; Hyper-IgE recurrent infection syndrome 1. Identifiers: Orphanet 2314, MedGen C2936739, MONDO:0007818, OMIM 147060.

Allele frequency attached by ClinVar (database versions not stated): 1000 Genomes Project 30x 0.00297; 1000 Genomes Project 0.00319; TOPMed 0.00404; gnomAD exomes 0.00548; gnomAD 0.00803 and 0.00808.
gnomAD v4.1: 1,651 of 232,894 alleles (0.71%); highest among the groups gnomAD compares: Middle Eastern, 1.3%; 16 homozygotes.

Submission:

Illumina Laboratory Services, Illumina
Classification: Benign for Hyper-IgE recurrent infection syndrome 1, autosomal dominant. Last evaluated: 2018-01-12. Review status: criteria provided, single submitter. Criteria: ICSL Variant Classification Criteria 13 December 2019. Collection method: clinical testing. Allele origin: germline.
Comment: This variant was observed in the ICSL laboratory as part of a predisposition screen in an ostensibly healthy population. It had not been previously curated by ICSL or reported in the Human Gene Mutation Database (HGMD: prior to June 1st, 2018), and was therefore a candidate for classification through an automated scoring system. Utilizing variant allele frequency, disease prevalence and penetrance estimates, and inheritance mode, an automated score was calculated to assess if this variant is too frequent to cause the disease. Based on the score and internal cut-off values, a variant classified as benign is not then subjected to further curation. The score for this variant resulted in a classification of benign for this disease.